The following is an entry in ClinVar:

ClinVar aggregate classification (germline): Uncertain significance (1 of 4 stars; one submission).

Conditions:
Cardiovascular phenotype. Identifiers: MedGen CN230736.

Submission:

Ambry Genetics
Classification: Uncertain significance for Cardiovascular phenotype. Last evaluated: 2023-02-14. Review status: criteria provided, single submitter. Criteria: Ambry Variant Classification Scheme 2023. Collection method: clinical testing. Allele origin: germline.
Comment: The p.R26H variant (also known as c.77G>A), located in coding exon 2 of the CACNB2 gene, results from a G to A substitution at nucleotide position 77. The arginine at codon 26 is replaced by histidine, an amino acid with highly similar properties. This amino acid position is conserved. In addition, this alteration is predicted to be deleterious by in silico analysis. Since supporting evidence is limited at this time, the clinical significance of this alteration remains unclear.

NM_201596.3(CACNB2):c.239G>A (p.Arg80His)

Gene: CACNB2 (calcium voltage-gated channel auxiliary subunit beta 2; plus strand). Cytogenetic location: 10p12.31.
Variant type: single nucleotide variant.
Coding change: c.239G>A on transcript NM_201596.3 (MANE Select); coding-DNA position 239, G replaced by A.
Protein change: p.Arg80His; replaces arginine 80 with histidine.
Molecular consequence: missense variant.
Genome position (GRCh38, 1-based): chr10:18,401,949, G>A. VCF-style: chr10-18401949-G-A. GRCh37 (hg19) VCF-style: chr10-18690878-G-A.
Other names: c.74G>A, p.Arg25His (NM_000724.4, NM_001330060.2); c.155G>A, p.Arg52His (NM_001167945.2, NM_201571.4, NM_201572.4); c.95G>A, p.Arg32His (NM_201570.3, NM_001410882.1); c.239G>A, p.Arg80His (NM_201593.3, NM_201597.3); c.77G>A, p.Arg26His (NM_201590.3); short protein forms R25H, R26H, R80H, R52H, R32H.
Identifiers: ClinVar variation 2447827 (VCV002447827.2), dbSNP rs1394245088, ClinGen allele CA376219431.